The following is an entry in ClinVar:

NM_020401.4(NUP107):c.72G>A (p.Arg24=)

Gene: NUP107 (nucleoporin 107; plus strand). Cytogenetic location: 12q15.
Variant type: single nucleotide variant.
Coding change: c.72G>A on transcript NM_020401.4 (MANE Select); coding-DNA position 72, G replaced by A.
Protein change: p.Arg24=; no amino-acid change (arginine 24 retained).
Molecular consequence: synonymous variant. On other transcripts: 5 prime UTR variant (1).
Genome position (GRCh38, 1-based): chr12:68,689,025, G>A. VCF-style: chr12-68689025-G-A. GRCh37 (hg19) VCF-style: chr12-69082805-G-A.
Other names: p.Arg24=; c.-44G>A (NM_001330192.2).
Identifiers: ClinVar variation 1281812 (VCV001281812.16), dbSNP rs2259588, ClinGen allele CA6677280.

ClinVar aggregate classification (germline): Benign. Review status: criteria provided, multiple submitters, no conflicts (2 of 4 stars). 8 submissions from 7 submitters: Benign (8). Last evaluated 2026-02-04.

Conditions:
Galloway-Mowat syndrome 7. Identifiers: MedGen C5193044, MONDO:0032692, OMIM 618348.
Nephrotic syndrome, type 11 (NPHS11). Identifiers: Orphanet 656, MedGen C4225228, MONDO:0014752, OMIM 616730.

Allele frequency attached by ClinVar (database versions not stated): ESP Exome Variant Server 0.20960; TOPMed 0.21377; 1000 Genomes Project 30x 0.21690; 1000 Genomes Project 0.22065; ExAC 0.25362.
gnomAD v4.1: 413,906 of 1,611,062 alleles (26%); highest among the groups gnomAD compares: Middle Eastern, 30%; 55,248 homozygotes.

Submissions (8):

Labcorp Genetics (formerly Invitae), Labcorp
Classification: Benign. Last evaluated: 2026-02-04. Review status: criteria provided, single submitter. Criteria: Invitae Variant Classification Sherloc (09022015). Collection method: clinical testing. Allele origin: germline.

Blueprint Genetics
Classification: Benign. Last evaluated: 2024-11-27. Review status: criteria provided, single submitter. Criteria: ACMG Guidelines, 2015. Collection method: clinical testing. Allele origin: germline.

Unidad de Genómica Garrahan, Hospital de Pediatría Garrahan
Classification: Benign. Last evaluated: 2024-07-15. Review status: criteria provided, single submitter. Criteria: ACMG Guidelines, 2015. Collection method: clinical testing. Allele origin: germline. Affected: no. Observed: 32 variant alleles.
Comment: This variant is classified as Benign based on local population frequency. This variant was detected in 34% of patients studied in a panel designed for Epileptic and Developmental Encephalopathy and Progressive Myoclonus Epilepsy. Number of patients: 32. Only high quality variants are reported.

Mayo Clinic Laboratories, Mayo Clinic
Classification: Benign. Last evaluated: 2022-03-09. Review status: criteria provided, single submitter. Criteria: ACMG Guidelines, 2015. Collection method: clinical testing. Allele origin: germline. Observed: 58 variant alleles.

Genome-Nilou Lab
Classification: Benign for Galloway-Mowat syndrome 7. Last evaluated: 2021-09-05. Review status: criteria provided, single submitter. Criteria: ACMG Guidelines, 2015. Collection method: clinical testing. Allele origin: germline. Affected: no.

Genome-Nilou Lab
Classification: Benign for Nephrotic syndrome, type 11. Last evaluated: 2021-09-05. Review status: criteria provided, single submitter. Criteria: ACMG Guidelines, 2015. Collection method: clinical testing. Allele origin: germline. Affected: no.

GeneDx
Classification: Benign. Last evaluated: 2019-10-25. Review status: criteria provided, single submitter. Criteria: GeneDx Variant Classification Process June 2021. Collection method: clinical testing. Allele origin: germline. Affected: yes.

Breakthrough Genomics
Classification: Benign. Review status: criteria provided, single submitter. Criteria: ACMG Guidelines, 2015. Collection method: not provided. Allele origin: germline. Inheritance: Autosomal recessive inheritance. Affected: yes.